The following is an entry in ClinVar:

NM_024301.5(FKRP):c.1475C>T (p.Thr492Met)

Gene: FKRP (fukutin related protein; plus strand). Cytogenetic location: 19q13.32.
Variant type: single nucleotide variant.
Coding change: c.1475C>T on transcript NM_024301.5 (MANE Select); coding-DNA position 1475, C replaced by T.
Protein change: p.Thr492Met; replaces threonine 492 with methionine.
Molecular consequence: missense variant.
Genome position (GRCh38, 1-based): chr19:46,756,925, C>T. VCF-style: chr19-46756925-C-T. GRCh37 (hg19) VCF-style: chr19-47260182-C-T.
Other names: c.1475C>T, p.Thr492Met (NM_001039885.3); short protein forms T492M.
Identifiers: ClinVar variation 837411 (VCV000837411.6), dbSNP rs1435800457, ClinGen allele CA406497442.

ClinVar aggregate classification (germline): Uncertain significance (1 of 4 stars; one submission).

Conditions:
Walker-Warburg congenital muscular dystrophy. Also called: Muscular dystrophy-dystroglycanopathy, type A; Walker-Warburg syndrome. Identifiers: Orphanet 899, MedGen C0265221, MONDO:0000171.

Allele frequency attached by ClinVar (database versions not stated): TOPMed below 0.00001; gnomAD exomes 0.00001.

Submission:

Labcorp Genetics (formerly Invitae), Labcorp
Classification: Uncertain significance for Walker-Warburg congenital muscular dystrophy. Last evaluated: 2021-09-01. Review status: criteria provided, single submitter. Criteria: Invitae Variant Classification Sherloc (09022015). Collection method: clinical testing. Allele origin: germline.
Comment: This sequence change replaces threonine with methionine at codon 492 of the FKRP protein (p.Thr492Met). The threonine residue is moderately conserved and there is a moderate physicochemical difference between threonine and methionine. This variant is not present in population databases (ExAC no frequency). This variant has not been reported in the literature in individuals affected with FKRP-related conditions. Algorithms developed to predict the effect of missense changes on protein structure and function (SIFT, PolyPhen-2, Align-GVGD) all suggest that this variant is likely to be tolerated. In summary, the available evidence is currently insufficient to determine the role of this variant in disease. Therefore, it has been classified as a Variant of Uncertain Significance.